The following is an entry in ClinVar:

NM_001363066.2(CLDN5):c.353C>A (p.Ala118Asp)

Gene: CLDN5 (claudin 5; minus strand). Cytogenetic location: 22q11.21.
Variant type: single nucleotide variant.
Coding change: c.353C>A on transcript NM_001363066.2 (MANE Select); coding-DNA position 353, C replaced by A.
Protein change: p.Ala118Asp; replaces alanine 118 with aspartic acid.
Molecular consequence: missense variant.
Genome position (GRCh38, 1-based): chr22:19,523,903, G>T on the plus strand (C>A on the coding strand, the complement: CLDN5 is on the minus strand). VCF-style: chr22-19523903-G-T. GRCh37 (hg19) VCF-style: chr22-19511426-G-T.
Other names: c.608C>A, p.Ala203Asp (NM_001130861.1, NM_001363067.2, NM_003277.4); short protein forms A118D, A203D.
Identifiers: ClinVar variation 3253428 (VCV003253428.1), dbSNP rs1380367851.

ClinVar aggregate classification (germline): Uncertain significance (1 of 4 stars; one submission).

Submission:

GeneDx
Classification: Uncertain significance. Last evaluated: 2023-12-18. Review status: criteria provided, single submitter. Criteria: GeneDx Variant Classification Process June 2021. Collection method: clinical testing. Allele origin: germline. Affected: yes.
Comment: Not observed at significant frequency in large population cohorts (gnomAD); In silico analysis supports that this missense variant has a deleterious effect on protein structure/function; Has not been previously published as pathogenic or benign to our knowledge.